The following is an entry in ClinVar:

ClinVar aggregate classification (germline): Likely benign. Review status: criteria provided, multiple submitters, no conflicts (2 of 4 stars). 2 submissions from 2 submitters: Likely benign (2). Last evaluated 2025-02-18.

Conditions:
Multiple endocrine neoplasia, type 1 (MEN1). Also called: MEN I; WERMER SYNDROME; Endocrine adenomatosis multiple; MEN 1; MEA I. Identifiers: Orphanet 652, MedGen C0025267, MeSH D018761, MONDO:0007540, OMIM 131100.

Allele frequency attached by ClinVar (database versions not stated): gnomAD exomes below 0.00001.
gnomAD v4.1: 1 of 1,613,910 alleles (0.000062%); no homozygotes.

Submissions (2):

Labcorp Genetics (formerly Invitae), Labcorp
Classification: Likely benign for Multiple endocrine neoplasia, type 1. Last evaluated: 2025-02-18. Review status: criteria provided, single submitter. Criteria: Invitae Variant Classification Sherloc (09022015). Collection method: clinical testing. Allele origin: germline.

Myriad Genetics, Inc.
Classification: Likely benign for Multiple endocrine neoplasia, type 1. Last evaluated: 2024-11-01. Review status: criteria provided, single submitter. Criteria: Myriad Autosomal Dominant, Autosomal Recessive and X-Linked Classification Criteria (2023). Collection method: clinical testing. Allele origin: unknown.
Comment: This variant is considered likely benign. This variant is intronic and is not expected to impact mRNA splicing.

NM_001370259.2(MEN1):c.654+10C>A

Gene: MEN1 (menin 1; minus strand). Cytogenetic location: 11q13.1.
Variant type: single nucleotide variant.
Coding change: c.654+10C>A on transcript NM_001370259.2 (MANE Select); 10 bases into the intron after coding-DNA position 654, C replaced by A.
Molecular consequence: intron variant.
Genome position (GRCh38, 1-based): chr11:64,807,881, G>T on the plus strand (C>A on the coding strand, the complement: MEN1 is on the minus strand). VCF-style: chr11-64807881-G-T. GRCh37 (hg19) VCF-style: chr11-64575353-G-T.
Other names: c.669+10C>A (NM_130804.3, NM_130803.3, NM_000244.4 and 3 more transcripts); c.654+10C>A (NM_130799.3, NM_001370260.2, NM_001370251.2 and 1 more transcripts); c.549+115C>A (NM_001370263.2, NM_001370262.2).
Identifiers: ClinVar variation 1116663 (VCV001116663.11), dbSNP rs921850475, ClinGen allele CA599804038.